The following is an entry in ClinVar:

ClinVar aggregate classification (germline): Uncertain significance (1 of 4 stars; one submission).

Conditions:
Inborn genetic diseases. Identifiers: MedGen C0950123, MeSH D030342.

Submission:

Ambry Genetics
Classification: Uncertain significance for Inborn genetic diseases. Last evaluated: 2026-07-07. Review status: criteria provided, single submitter. Criteria: Ambry Variant Classification Scheme 2023. Collection method: clinical testing. Allele origin: germline.
Comment: The c.8482_8484delTAC (p.Y2828del) alteration, located in coding exon 25 of the ASH1L gene, results from an in-frame deletion of three nucleotides at nucleotide positions 8482 to 8484. This results in the deletion of a tyrosine residue at codon 2828. This variant was not reported in population-based cohorts in the Genome Aggregation Database (gnomAD). This amino acid position is highly conserved in available vertebrate species. Based on insufficient or conflicting evidence, the clinical significance of this alteration remains unclear.

NM_018489.3(ASH1L):c.8482_8484del (p.Tyr2828del)

Gene: ASH1L (ASH1 like histone lysine methyltransferase; minus strand). Cytogenetic location: 1q22.
Variant type: Deletion.
Coding change: c.8482_8484del on transcript NM_018489.3 (MANE Select); coding-DNA positions 8482 to 8484, 3 bases deleted (TAC; older notation c.8482_8484delTAC).
Protein change: p.Tyr2828del; deletes tyrosine 2828.
Molecular consequence: inframe deletion.
Genome position (GRCh38, 1-based): chr1:155,339,345-155,339,347, GTA deleted on the plus strand (TAC on the coding strand, the reverse complement: ASH1L is on the minus strand); deleting any 3 consecutive bases within chr1:155,339,345-155,339,349 gives the same sequence; the c. name uses the placement nearest the transcript's 3' end. VCF-style (leftmost placement, unchanged base first): chr1-155339344-TGTA-T. GRCh37 (hg19) VCF-style: chr1-155309135-TGTA-T.
Other names: c.8497_8499del, p.Tyr2833del (NM_001366177.2); short protein forms Y2828del, Y2833del.
Identifiers: ClinVar variation 3130337 (VCV003130337.2), dbSNP rs2525606726, ClinGen allele CA2825000851.
Genomic context (GRCh38, chr1:155,339,344, plus strand): 5'-TTAGTCAATCCCTTAGGATCCTCATATCCCCCCATGGGACTTACCGTCCTCCATTCCTCT[TGTA>T]GTTGTCTGGGACGTAATGAGGCTGCAGAGAAGAAAAGGAAGAGGTAAGCATATTGTAGAA-3'